The following is an entry in ClinVar:

NM_005876.5(SPEG):c.6188A>G (p.Tyr2063Cys)

Genes: ASIC4-AS1 (ASIC4 antisense RNA 1; minus strand), SPEG (striated muscle enriched protein kinase; plus strand). Cytogenetic location: 2q35.
Variant type: single nucleotide variant.
Coding change: c.6188A>G on transcript NM_005876.5 (MANE Select); coding-DNA position 6188, A replaced by G.
Protein change: p.Tyr2063Cys; replaces tyrosine 2063 with cysteine.
Molecular consequence: missense variant.
Genome position (GRCh38, 1-based): chr2:219,483,651, A>G. VCF-style: chr2-219483651-A-G. GRCh37 (hg19) VCF-style: chr2-220348373-A-G.
Other names: short protein forms Y2063C.
Identifiers: ClinVar variation 1369288 (VCV001369288.3), dbSNP rs778849011, ClinGen allele CA2127004.

ClinVar aggregate classification (germline): Uncertain significance (1 of 4 stars; one submission).

Allele frequency attached by ClinVar (database versions not stated): gnomAD 0.00001; gnomAD exomes 0.00002 and 0.00006; TOPMed 0.00003.
gnomAD v4.1: 9 of 1,530,010 alleles (0.00059%); highest among the groups gnomAD compares: Admixed American, 0.018%; no homozygotes.

Submission:

Labcorp Genetics (formerly Invitae), Labcorp
Classification: Uncertain significance. Last evaluated: 2022-06-27. Review status: criteria provided, single submitter. Criteria: Invitae Variant Classification Sherloc (09022015). Collection method: clinical testing. Allele origin: germline.
Comment: This sequence change replaces tyrosine, which is neutral and polar, with cysteine, which is neutral and slightly polar, at codon 2063 of the SPEG protein (p.Tyr2063Cys). This variant is present in population databases (rs778849011, gnomAD 0.04%). This variant has not been reported in the literature in individuals affected with SPEG-related conditions. Algorithms developed to predict the effect of missense changes on protein structure and function are either unavailable or do not agree on the potential impact of this missense change (SIFT: "Deleterious"; PolyPhen-2: "Probably Damaging"; Align-GVGD: "Class C0"). In summary, the available evidence is currently insufficient to determine the role of this variant in disease. Therefore, it has been classified as a Variant of Uncertain Significance.